The following is an entry in ClinVar:

NM_000053.4(ATP7B):c.4064G>T (p.Gly1355Val)

Gene: ATP7B (ATPase copper transporting beta; minus strand). Cytogenetic location: 13q14.3.
Variant type: single nucleotide variant.
Coding change: c.4064G>T on transcript NM_000053.4 (MANE Select); coding-DNA position 4064, G replaced by T.
Protein change: p.Gly1355Val; replaces glycine 1355 with valine.
Molecular consequence: missense variant.
Genome position (GRCh38, 1-based): chr13:51,935,653, C>A on the plus strand (G>T on the coding strand, the complement: ATP7B is on the minus strand). VCF-style: chr13-51935653-C-A. GRCh37 (hg19) VCF-style: chr13-52509789-C-A.
Other names: c.3443G>T, p.Gly1148Val (NM_001005918.3); c.3731G>T, p.Gly1244Val (NM_001243182.2); c.3830G>T, p.Gly1277Val (NM_001330578.2); c.3812G>T, p.Gly1271Val (NM_001330579.2); short protein forms G1355V, G1244V, G1271V, G1148V, G1277V.
Identifiers: ClinVar variation 495419 (VCV000495419.6), dbSNP rs1305262063, ClinGen allele CA388020155.

ClinVar aggregate classification (germline): Conflicting classifications of pathogenicity. Review status: criteria provided, conflicting classifications (1 of 4 stars). 2 submissions from 2 submitters: Likely pathogenic (1); Uncertain significance (1). Last evaluated 2025-10-22.

Conditions:
Wilson disease (WND). Also called: Wilson's disease. Identifiers: Orphanet 905, MedGen C0019202, MONDO:0010200, OMIM 277900. Disease mechanism: loss of function.

Submissions (2):

Women's Health and Genetics/Laboratory Corporation of America, LabCorp
Classification: Uncertain significance. Last evaluated: 2025-10-22. Review status: criteria provided, single submitter. Criteria: LabCorp Variant Classification Summary - May 2015. Collection method: clinical testing. Allele origin: germline.
Comment: Variant summary: ATP7B c.4064G>T (p.Gly1355Val) results in a non-conservative amino acid change in the encoded protein sequence. Algorithms developed to predict the effect of missense changes on protein structure and function all suggest that this variant is likely to be disruptive. The variant was absent in 245964 control chromosomes. The available data on variant occurrences in the general population are insufficient to allow any conclusion about variant significance. c.4064G>T has been observed in the presumed compound heterozygous state in at least 1 individual(s) affected with Wilson Disease (examples: Zhang_2024, internal data). These data do not allow any conclusion about variant significance. To our knowledge, no experimental evidence demonstrating an impact on protein function has been reported. The following publication has been ascertained in the context of this evaluation (PMID: 39267050). The following publications have been ascertained in the context of this evaluation (PMID: 39267050, 39502306). ClinVar contains an entry for this variant (Variation ID: 495419). Based on the evidence outlined above, the variant was classified as VUS-possibly pathogenic.

Labcorp Genetics (formerly Invitae), Labcorp
Classification: Likely pathogenic for Wilson disease. Last evaluated: 2023-08-02. Review status: criteria provided, single submitter. Criteria: Invitae Variant Classification Sherloc (09022015). Collection method: clinical testing. Allele origin: germline.
Comment: This sequence change replaces glycine, which is neutral and non-polar, with valine, which is neutral and non-polar, at codon 1355 of the ATP7B protein (p.Gly1355Val). This variant is not present in population databases (gnomAD no frequency). This missense change has been observed in individual(s) with clinical features of Wilson disease (Invitae). In at least one individual the data is consistent with being in trans (on the opposite chromosome) from a pathogenic variant. ClinVar contains an entry for this variant (Variation ID: 495419). Advanced modeling of protein sequence and biophysical properties (such as structural, functional, and spatial information, amino acid conservation, physicochemical variation, residue mobility, and thermodynamic stability) has been performed at Invitae for this missense variant, however the output from this modeling did not meet the statistical confidence thresholds required to predict the impact of this variant on ATP7B protein function. This variant disrupts the p.Gly1355 amino acid residue in ATP7B. Other variant(s) that disrupt this residue have been observed in individuals with ATP7B-related conditions (Invitae), which suggests that this may be a clinically significant amino acid residue. In summary, the currently available evidence indicates that the variant is pathogenic, but additional data are needed to prove that conclusively. Therefore, this variant has been classified as Likely Pathogenic.

Literature cited by the submitters: PubMed 39502306 (cited by Women's Health and Genetics/Laboratory Corporation of America, LabCorp); PubMed 39267050 (cited by Women's Health and Genetics/Laboratory Corporation of America, LabCorp).